The following is an entry in ClinVar:

NM_000051.4(ATM):c.5995A>T (p.Ile1999Leu)

Genes: ATM (ATM serine/threonine kinase; plus strand), C11orf65 (chromosome 11 open reading frame 65; minus strand). Cytogenetic location: 11q22.3.
Variant type: single nucleotide variant.
Coding change: c.5995A>T on transcript NM_000051.4 (MANE Select); coding-DNA position 5995, A replaced by T.
Protein change: p.Ile1999Leu; replaces isoleucine 1999 with leucine.
Molecular consequence: missense variant. On other transcripts: intron variant (2).
Genome position (GRCh38, 1-based): chr11:108,312,487, A>T. VCF-style: chr11-108312487-A-T. GRCh37 (hg19) VCF-style: chr11-108183214-A-T.
Other names: c.5995A>T, p.Ile1999Leu (NM_001351834.2); c.641-3416T>A (NM_001330368.2); c.*39-3416T>A (NM_001351110.2); short protein forms I1999L.
Identifiers: ClinVar variation 3966650 (VCV003966650.1).

ClinVar aggregate classification (germline): Uncertain significance (1 of 4 stars; one submission).

Conditions:
Hereditary cancer-predisposing syndrome. Also called: Neoplastic Syndromes, Hereditary; Tumor predisposition; Hereditary Cancer Syndrome; Hereditary neoplastic syndrome. Identifiers: Orphanet 140162, MedGen C0027672, MeSH D009386, MONDO:0015356.

gnomAD v4.1: 1 of 1,565,294 alleles (0.000064%); highest among the groups gnomAD compares: Admixed American, 0.0017%; no homozygotes.

Submission:

Ambry Genetics
Classification: Uncertain significance for Hereditary cancer-predisposing syndrome. Last evaluated: 2025-04-19. Review status: criteria provided, single submitter. Criteria: Ambry Variant Classification Scheme 2023. Collection method: clinical testing. Allele origin: germline.
Comment: The p.I1999L variant (also known as c.5995A>T), located in coding exon 39 of the ATM gene, results from an A to T substitution at nucleotide position 5995. The isoleucine at codon 1999 is replaced by leucine, an amino acid with highly similar properties. This amino acid position is conserved. In addition, this alteration is predicted to be tolerated by in silico analysis. Based on the available evidence, the clinical significance of this variant remains unclear.